The following is an entry in ClinVar:

NM_004655.4(AXIN2):c.1310C>T (p.Thr437Met)

Gene: AXIN2 (axin 2; minus strand). Cytogenetic location: 17q24.1.
Variant type: single nucleotide variant.
Coding change: c.1310C>T on transcript NM_004655.4 (MANE Select); coding-DNA position 1310, C replaced by T.
Protein change: p.Thr437Met; replaces threonine 437 with methionine.
Molecular consequence: missense variant.
Genome position (GRCh38, 1-based): chr17:65,537,726, G>A on the plus strand (C>T on the coding strand, the complement: AXIN2 is on the minus strand). VCF-style: chr17-65537726-G-A. GRCh37 (hg19) VCF-style: chr17-63533844-G-A.
Other names: c.1310C>T, p.Thr437Met (NM_001363813.1); short protein forms T437M.
Identifiers: ClinVar variation 1042104 (VCV001042104.11), dbSNP rs2043959278, ClinGen allele CA400677759.

ClinVar aggregate classification (germline): Uncertain significance. Review status: criteria provided, multiple submitters, no conflicts (2 of 4 stars). 3 submissions from 3 submitters: Uncertain significance (3). Last evaluated 2025-11-06.

Conditions:
Hereditary cancer-predisposing syndrome. Also called: Hereditary Cancer Syndrome; Tumor predisposition; Hereditary neoplastic syndrome; Neoplastic Syndromes, Hereditary. Identifiers: Orphanet 140162, MedGen C0027672, MeSH D009386, MONDO:0015356.
Colorectal cancer. Also called: Malignant Colorectal Neoplasm; Colorectal cancer, somatic. Identifiers: MedGen C0346629, MONDO:0005575, OMIM 114500.
Oligodontia-cancer predisposition syndrome. Also called: TOOTH AGENESIS-COLORECTAL CANCER SYNDROME. Identifiers: Orphanet 300576, MedGen C1837750, MONDO:0012075, OMIM 608615. Disease mechanism: loss of function.

Allele frequency attached by ClinVar (database versions not stated): gnomAD exomes below 0.00001; gnomAD 0.00001.
gnomAD v4.1: 2 of 1,562,224 alleles (0.00013%); highest among the groups gnomAD compares: East Asian, 0.0048%; no homozygotes.

Submissions (3):

Labcorp Genetics (formerly Invitae), Labcorp
Classification: Uncertain significance for Oligodontia-cancer predisposition syndrome. Last evaluated: 2025-11-06. Review status: criteria provided, single submitter. Criteria: Invitae Variant Classification Sherloc (09022015). Collection method: clinical testing. Allele origin: germline.
Comment: This sequence change replaces threonine, which is neutral and polar, with methionine, which is neutral and non-polar, at codon 437 of the AXIN2 protein (p.Thr437Met). This variant is not present in population databases (gnomAD no frequency). This variant has not been reported in the literature in individuals affected with AXIN2-related conditions. ClinVar contains an entry for this variant (Variation ID: 1042104). Invitae Evidence Modeling of protein sequence and biophysical properties (such as structural, functional, and spatial information, amino acid conservation, physicochemical variation, residue mobility, and thermodynamic stability) indicates that this missense variant is not expected to disrupt AXIN2 protein function with a negative predictive value of 80%. In summary, the available evidence is currently insufficient to determine the role of this variant in disease. Therefore, it has been classified as a Variant of Uncertain Significance.

Ambry Genetics
Classification: Uncertain significance for Hereditary cancer-predisposing syndrome. Last evaluated: 2025-07-29. Review status: criteria provided, single submitter. Criteria: Ambry Variant Classification Scheme 2023. Collection method: clinical testing. Allele origin: germline.
Comment: The p.T437M variant (also known as c.1310C>T), located in coding exon 5 of the AXIN2 gene, results from a C to T substitution at nucleotide position 1310. The threonine at codon 437 is replaced by methionine, an amino acid with similar properties. This variant was reported in individual(s) with features consistent with oligodontia-cancer predisposition syndrome (Ambry internal data). This amino acid position is not well conserved in available vertebrate species. In addition, this alteration is predicted to be tolerated by in silico analysis. Based on the available evidence, the clinical significance of this variant remains unclear.

Baylor Genetics
Classification: Uncertain significance for Colorectal cancer. Last evaluated: 2023-11-22. Review status: criteria provided, single submitter. Criteria: ACMG Guidelines, 2015. Collection method: clinical testing. Allele origin: unknown.